The following is an entry in ClinVar:

NM_012199.5(AGO1):c.836T>C (p.Val279Ala)

Genes: AGO1 (argonaute RISC component 1; plus strand), LOC126805695 (MED14-independent group 3 enhancer GRCh37_chr1:36359789-36360988; plus strand). Cytogenetic location: 1p34.3.
Variant type: single nucleotide variant.
Coding change: c.836T>C on transcript NM_012199.5 (MANE Select); coding-DNA position 836, T replaced by C.
Protein change: p.Val279Ala; replaces valine 279 with alanine.
Molecular consequence: missense variant.
Genome position (GRCh38, 1-based): chr1:35,894,366, T>C. VCF-style: chr1-35894366-T-C. GRCh37 (hg19) VCF-style: chr1-36359967-T-C.
Other names: c.836T>C, p.Val279Ala (NM_001317122.2); c.611T>C, p.Val204Ala (NM_001317123.2); short protein forms V204A, V279A.
Identifiers: ClinVar variation 4879299 (VCV004879299.1).
Genomic context (GRCh38, chr1:35,894,366, plus strand): 5'-GTATCTCAGGCCTGAAGGTGGAAGTCACCCACTGTGGACAGATGAAGAGGAAGTACCGCG[T>C]GTGTAATGTTACCCGTCGCCCTGCTAGCCATCAGACGTAAGTTGGCAGGGGTGCTGAGTC-3'
Protein context (NP_036331.1, residues 269-289): HCGQMKRKYR[Val279Ala]CNVTRRPASH

ClinVar aggregate classification (germline): Uncertain significance (1 of 4 stars; one submission).

Conditions:
Neurodevelopmental disorder with language delay and behavioral abnormalities, with or without seizures (NEDLBAS). Identifiers: MedGen C5830365, MONDO:0859531, OMIM 620292.

Submission:

Clinical Genomics Laboratory, Washington University in St. Louis
Classification: Uncertain significance for Neurodevelopmental disorder with language delay and behavioral abnormalities, with or without seizures. Last evaluated: 2025-11-07. Review status: criteria provided, single submitter. Criteria: ACMG Guidelines, 2015. Collection method: clinical testing. Allele origin: germline.
Comment: The AGO1 c.836T>C (p.Val279Ala) variant, to our knowledge, has not been reported in the medical literature. This variant is absent from the general population (gnomAD v2.1.1), indicating it is not a common variant. Computational predictors are uncertain as to the impact of this variant on AGO1 function. Due to limited information, and based on ACMG/AMP guidelines for variant interpretation (Richards S et al., PMID: 25741868), the clinical significance of this variant is uncertain at this time.